The following is an entry in ClinVar:

NM_022916.6(VPS33A):c.759T>G (p.Ile253Met)

Gene: VPS33A (VPS33A core subunit of CORVET and HOPS complexes; minus strand). Cytogenetic location: 12q24.31.
Variant type: single nucleotide variant.
Coding change: c.759T>G on transcript NM_022916.6 (MANE Select); coding-DNA position 759, T replaced by G.
Protein change: p.Ile253Met; replaces isoleucine 253 with methionine.
Molecular consequence: missense variant.
Genome position (GRCh38, 1-based): chr12:122,249,887, A>C on the plus strand (T>G on the coding strand, the complement: VPS33A is on the minus strand). VCF-style: chr12-122249887-A-C. GRCh37 (hg19) VCF-style: chr12-122734434-A-C.
Other names: c.726T>G, p.Ile242Met (NM_001351018.2); c.711T>G, p.Ile237Met (NM_001351019.2); c.759T>G, p.Ile253Met (NM_001351020.2); short protein forms I237M, I253M, I242M.
Identifiers: ClinVar variation 1409765 (VCV001409765.6), dbSNP rs1177028980, ClinGen allele CA387015644.

ClinVar aggregate classification (germline): Uncertain significance (1 of 4 stars; one submission).

Allele frequency attached by ClinVar (database versions not stated): gnomAD exomes below 0.00001.
gnomAD v4.1: 1 of 1,613,490 alleles (0.000062%); highest among the groups gnomAD compares: South Asian, 0.0011%; no homozygotes.

Submission:

Labcorp Genetics (formerly Invitae), Labcorp
Classification: Uncertain significance. Last evaluated: 2022-08-15. Review status: criteria provided, single submitter. Criteria: Invitae Variant Classification Sherloc (09022015). Collection method: clinical testing. Allele origin: germline.
Comment: This sequence change replaces isoleucine, which is neutral and non-polar, with methionine, which is neutral and non-polar, at codon 253 of the VPS33A protein (p.Ile253Met). In summary, the available evidence is currently insufficient to determine the role of this variant in disease. Therefore, it has been classified as a Variant of Uncertain Significance. Algorithms developed to predict the effect of sequence changes on RNA splicing suggest that this variant may create or strengthen a splice site. Algorithms developed to predict the effect of missense changes on protein structure and function (SIFT, PolyPhen-2, Align-GVGD) all suggest that this variant is likely to be tolerated. ClinVar contains an entry for this variant (Variation ID: 1409765). This variant has not been reported in the literature in individuals affected with VPS33A-related conditions. This variant is present in population databases (no rsID available, gnomAD 0.003%).